The following is an entry in ClinVar:

ClinVar aggregate classification (germline): Pathogenic (1 of 4 stars; one submission).

Submission:

ISCA site 4
Classification: Pathogenic. Last evaluated: 2011-08-12. Review status: criteria provided, single submitter. Criteria: Kaminsky et al. (Genet Med. 2011). Collection method: clinical testing. Allele origin: unknown. Affected: yes. Observed: 1 variant allele.
Comment: Copy number variation identified through the course of routine clinical cytogenomic testing in postnatal populations. Clinical assertions have been curated as described in Kaminsky et al. 2011.

GRCh38/hg38 20p13-11.21(chr20:89939-25697564)x3

Genes: LRRN4 (leucine rich repeat neuronal 4; minus strand), LZTS3 (leucine zipper tumor suppressor family member 3; minus strand), MACROD2 (mono-ADP ribosylhydrolase 2; plus strand), MACROD2-AS1 (MACROD2 antisense RNA 1; minus strand), MACROD2-IT1 (MACROD2 intronic transcript 1; plus strand) and 814 more. Cytogenetic location: 20p13-11.21.
Variant type: copy number gain.
Change: copy number 3 (three copies instead of two) of chr20:89,939-25,697,564 (25.61 Mb, GRCh38 coordinates, 1-based), cytogenetic band 20p13-11.21.
Identifiers: ClinVar variation 57514 (VCV000057514.1).